The following is an entry in ClinVar:

ClinVar aggregate classification (germline): Uncertain significance (1 of 4 stars; one submission).

gnomAD v4.1: 2 of 1,614,090 alleles (0.00012%); highest among the groups gnomAD compares: Non-Finnish European, 0.00017%; no homozygotes.

Submission:

GeneDx
Classification: Uncertain significance. Last evaluated: 2025-06-27. Review status: criteria provided, single submitter. Criteria: GeneDx Variant Classification Process June 2021. Collection method: clinical testing. Allele origin: germline. Affected: yes.
Comment: Not observed at significant frequency in large population cohorts (gnomAD); In silico analysis supports that this missense variant has a deleterious effect on protein structure/function; Has not been previously published as pathogenic or benign to our knowledge

NM_001458.5(FLNC):c.1084A>G (p.Ser362Gly)

Gene: FLNC (filamin C; plus strand). Cytogenetic location: 7q32.1.
Variant type: single nucleotide variant.
Coding change: c.1084A>G on transcript NM_001458.5 (MANE Select); coding-DNA position 1084, A replaced by G.
Protein change: p.Ser362Gly; replaces serine 362 with glycine.
Molecular consequence: missense variant.
Genome position (GRCh38, 1-based): chr7:128,838,303, A>G. VCF-style: chr7-128838303-A-G. GRCh37 (hg19) VCF-style: chr7-128478357-A-G.
Other names: c.1084A>G, p.Ser362Gly (NM_001127487.2); short protein forms S362G.
Identifiers: ClinVar variation 4540313 (VCV004540313.1).